The following is an entry in ClinVar:

ClinVar aggregate classification (germline): Uncertain significance. Review status: criteria provided, multiple submitters, no conflicts (2 of 4 stars). 3 submissions from 3 submitters: Uncertain significance (3). Last evaluated 2026-03-31.

Conditions:
Inborn genetic diseases. Identifiers: MedGen C0950123, MeSH D030342.
Mucopolysaccharidosis, MPS-II (MPS2). Also called: IDS deficiency; Sulfoiduronate sulfatase deficiency; SIDS deficiency; Mucopolysaccharidosis type 2; Mucopolysaccharidosis with skin involvement; Attenuated MPS (subtype; formerly known as mild MPS II). Identifiers: Orphanet 580, Orphanet 79388, MedGen C0026705, MONDO:0010674, OMIM 309900.

Allele frequency attached by ClinVar (database versions not stated): gnomAD exomes below 0.00001.
gnomAD v4.1: 1 of 1,211,926 alleles (0.000083%); highest among the groups gnomAD compares: Non-Finnish European, 0.00011%; no homozygotes.

Submissions (3):

Ambry Genetics
Classification: Uncertain significance for Inborn genetic diseases. Last evaluated: 2026-03-31. Review status: criteria provided, single submitter. Criteria: Ambry Variant Classification Scheme 2023. Collection method: clinical testing. Allele origin: germline.

Labcorp Genetics (formerly Invitae), Labcorp
Classification: Uncertain significance for Mucopolysaccharidosis, MPS-II. Last evaluated: 2024-01-22. Review status: criteria provided, single submitter. Criteria: Invitae Variant Classification Sherloc (09022015). Collection method: clinical testing. Allele origin: germline.
Comment: This sequence change replaces glycine, which is neutral and non-polar, with valine, which is neutral and non-polar, at codon 374 of the IDS protein (p.Gly374Val). This variant is not present in population databases (gnomAD no frequency). This variant has not been reported in the literature in individuals affected with IDS-related conditions. ClinVar contains an entry for this variant (Variation ID: 1302719). Advanced modeling of protein sequence and biophysical properties (such as structural, functional, and spatial information, amino acid conservation, physicochemical variation, residue mobility, and thermodynamic stability) has been performed at Invitae for this missense variant, however the output from this modeling did not meet the statistical confidence thresholds required to predict the impact of this variant on IDS protein function. In summary, the available evidence is currently insufficient to determine the role of this variant in disease. Therefore, it has been classified as a Variant of Uncertain Significance.

GeneDx
Classification: Uncertain significance. Last evaluated: 2019-07-01. Review status: criteria provided, single submitter. Criteria: GeneDx Variant Classification Process June 2021. Collection method: clinical testing. Allele origin: germline. Affected: yes.
Comment: Not observed in large population cohorts (Lek et al., 2016); In silico analysis, which includes protein predictors and evolutionary conservation, supports a deleterious effect; Has not been previously published as pathogenic or benign to our knowledge

NM_000202.8(IDS):c.1121G>T (p.Gly374Val)

Genes: IDS (iduronate 2-sulfatase; minus strand), LOC106050102 (IDS recombination region; plus strand). Cytogenetic location: Xq28.
Variant type: single nucleotide variant.
Coding change: c.1121G>T on transcript NM_000202.8 (MANE Select); coding-DNA position 1121, G replaced by T.
Protein change: p.Gly374Val; replaces glycine 374 with valine.
Molecular consequence: missense variant.
Genome position (GRCh38, 1-based): chrX:149,486,984, C>A on the plus strand (G>T on the coding strand, the complement: IDS is on the minus strand). VCF-style: chrX-149486984-C-A. GRCh37 (hg19) VCF-style: chrX-148568515-C-A.
Other names: c.851G>T, p.Gly284Val (NM_001166550.4); c.1121G>T (NM_000202.5); short protein forms G284V, G374V.
Identifiers: ClinVar variation 1302719 (VCV001302719.6), dbSNP rs2124005760, ClinGen allele CA414518789.